The following is an entry in ClinVar:

NM_152703.5(SAMD9L):c.3973G>A (p.Glu1325Lys)

Gene: SAMD9L (sterile alpha motif domain containing 9 like; minus strand). Cytogenetic location: 7q21.2.
Variant type: single nucleotide variant.
Coding change: c.3973G>A on transcript NM_152703.5 (MANE Select); coding-DNA position 3973, G replaced by A.
Protein change: p.Glu1325Lys; replaces glutamic acid 1325 with lysine.
Molecular consequence: missense variant.
Genome position (GRCh38, 1-based): chr7:93,131,999, C>T on the plus strand (G>A on the coding strand, the complement: SAMD9L is on the minus strand). VCF-style: chr7-93131999-C-T. GRCh37 (hg19) VCF-style: chr7-92761312-C-T.
Other names: c.3973G>A, p.Glu1325Lys (NM_001350083.2, NM_001350084.2, NM_001350085.2 and 5 more transcripts); short protein forms E1325K.
Identifiers: ClinVar variation 4630143 (VCV004630143.1).
Genomic context (GRCh38, chr7:93,131,999, plus strand): 5'-CCAAGAGTCCAGCAAACCTATCTGCTCTCAGAGCTTCTAGCTTTTTCCTGCAATTCTCCT[C>T]CTGGAGTAATTGACTCTCTTTACTTTGTAATAGACATGGATCCAAATGACAGAAAAGTTC-3'
Protein context (NP_689916.2, residues 1315-1335): LQSKESQLLQ[Glu1325Lys]ENCRKKLEAL

ClinVar aggregate classification (germline): Uncertain significance (1 of 4 stars; one submission).

Conditions:
Inborn genetic diseases. Identifiers: MedGen C0950123, MeSH D030342.

Submission:

Ambry Genetics
Classification: Uncertain significance for Inborn genetic diseases. Last evaluated: 2025-11-25. Review status: criteria provided, single submitter. Criteria: Ambry Variant Classification Scheme 2023. Collection method: clinical testing. Allele origin: germline.
Comment: The p.E1325K variant (also known as c.3973G>A), located in coding exon 1 of the SAMD9L gene, results from a G to A substitution at nucleotide position 3973. The glutamic acid at codon 1325 is replaced by lysine, an amino acid with similar properties. This amino acid position is conserved. In addition, this alteration is predicted to be tolerated by in silico analysis. Based on the available evidence, the clinical significance of this variant remains unclear.